The following is an entry in ClinVar:

NM_004517.4(ILK):c.252G>A (p.Gln84=)

Genes: TAF10 (TATA-box binding protein associated factor 10; minus strand), ILK (integrin linked kinase; plus strand). Cytogenetic location: 11p15.4.
Variant type: single nucleotide variant.
Coding change: c.252G>A on transcript NM_004517.4 (MANE Select); coding-DNA position 252, G replaced by A.
Protein change: p.Gln84=; no amino-acid change (glutamine 84 retained).
Molecular consequence: synonymous variant. On other transcripts: 3 prime UTR variant (1), intron variant (1).
Genome position (GRCh38, 1-based): chr11:6,608,208, G>A. VCF-style: chr11-6608208-G-A. GRCh37 (hg19) VCF-style: chr11-6629438-G-A.
Other names: c.252G>A, p.Gln84= (NM_001014794.3, NM_001014795.3, NM_001278441.2); c.*2714C>T (NM_006284.4); c.-147-186G>A (NM_001278442.2).
Identifiers: ClinVar variation 227442 (VCV000227442.16), dbSNP rs757818130, ClinGen allele CA5857981.

ClinVar aggregate classification (germline): Likely benign. Review status: criteria provided, multiple submitters, no conflicts (2 of 4 stars). 4 submissions from 4 submitters: Likely benign (4). Last evaluated 2025-10-15.

Conditions:
Primary familial hypertrophic cardiomyopathy (HCM). Identifiers: Orphanet 99739, MedGen C0949658, MeSH D024741, MONDO:0024573. Inheritance: Various modes of inheritance.

Allele frequency attached by ClinVar (database versions not stated): gnomAD exomes 0.00003 and 0.00014; ExAC 0.00004; TOPMed 0.00005; gnomAD 0.00007.

Submissions (4):

Labcorp Genetics (formerly Invitae), Labcorp
Classification: Likely benign for Primary familial hypertrophic cardiomyopathy. Last evaluated: 2025-10-15. Review status: criteria provided, single submitter. Criteria: Invitae Variant Classification Sherloc (09022015). Collection method: clinical testing. Allele origin: germline.

Ambry Genetics
Classification: Likely benign. Last evaluated: 2023-11-02. Review status: criteria provided, single submitter. Criteria: Ambry Variant Classification Scheme 2023. Collection method: clinical testing. Allele origin: germline.

GeneDx
Classification: Likely benign. Last evaluated: 2019-07-22. Review status: criteria provided, single submitter. Criteria: GeneDx Variant Classification Process June 2021. Collection method: clinical testing. Allele origin: germline. Affected: yes.

Laboratory for Molecular Medicine, Mass General Brigham Personalized Medicine
Classification: Likely benign. Last evaluated: 2015-06-30. Review status: criteria provided, single submitter. Criteria: LMM Criteria. Collection method: clinical testing. Allele origin: germline. Observed: 1 variant allele.
Comment: p.Gln84Gln in exon 3 of ILK: This variant is not expected to have clinical signi ficance because it does not alter an amino acid residue and is not located withi n the splice consensus sequence. It has been identified in 5/66726 European chro mosomes by the Exome Aggregation Consortium (ExAC, g; dbSNP rs757818130).